The following is an entry in ClinVar:

NM_007327.4(GRIN1):c.879C>G (p.His293Gln)

Gene: GRIN1 (glutamate ionotropic receptor NMDA type subunit 1; plus strand). Cytogenetic location: 9q34.3.
Variant type: single nucleotide variant.
Coding change: c.879C>G on transcript NM_007327.4 (MANE Select); coding-DNA position 879, C replaced by G.
Protein change: p.His293Gln; replaces histidine 293 with glutamine.
Molecular consequence: missense variant.
Genome position (GRCh38, 1-based): chr9:137,156,948, C>G. VCF-style: chr9-137156948-C-G. GRCh37 (hg19) VCF-style: chr9-140051400-C-G.
Other names: c.879C>G, p.His293Gln (NM_000832.7, NM_021569.4); c.942C>G, p.His314Gln (NM_001185090.2, NM_001185091.2); c.879C>G (NM_007327.3); short protein forms H293Q, H314Q.
Identifiers: ClinVar variation 1415168 (VCV001415168.11), dbSNP rs746040843, ClinGen allele CA201738466.

ClinVar aggregate classification (germline): Conflicting classifications of pathogenicity. Review status: criteria provided, conflicting classifications (1 of 4 stars). 3 submissions from 3 submitters: Uncertain significance (2); Benign (1). Last evaluated 2025-08-04.

Conditions:
Neurodevelopmental disorder with or without hyperkinetic movements and seizures, autosomal dominant. Also called: Intellectual disability, autosomal dominant 8. Identifiers: MedGen C3280282, MONDO:0013655, OMIM 614254.

gnomAD v4.1: 3 of 1,611,952 alleles (0.00019%); highest among the groups gnomAD compares: African/African-American, 0.0027%; no homozygotes.

Submissions (3):

Labcorp Genetics (formerly Invitae), Labcorp
Classification: Benign for Neurodevelopmental disorder with or without hyperkinetic movements and seizures, autosomal dominant. Last evaluated: 2025-08-04. Review status: criteria provided, single submitter. Criteria: Invitae Variant Classification Sherloc (09022015). Collection method: clinical testing. Allele origin: germline.

GeneDx
Classification: Uncertain significance. Last evaluated: 2023-08-18. Review status: criteria provided, single submitter. Criteria: GeneDx Variant Classification Process June 2021. Collection method: clinical testing. Allele origin: germline. Affected: yes.
Comment: Not observed at significant frequency in large population cohorts (gnomAD); In silico analysis supports that this missense variant does not alter protein structure/function; Has not been previously published as pathogenic or benign to our knowledge

Revvity Omics, Revvity
Classification: Uncertain significance. Last evaluated: 2021-06-25. Review status: criteria provided, single submitter. Criteria: ACMG Guidelines, 2015. Collection method: clinical testing. Allele origin: germline.